The following is an entry in ClinVar:

ClinVar aggregate classification (germline): Uncertain significance (1 of 4 stars; one submission).

gnomAD v4.1: 1 of 1,575,348 alleles (0.000063%); no homozygotes.

Submission:

Ambry Genetics
Classification: Uncertain significance. Last evaluated: 2025-12-10. Review status: criteria provided, single submitter. Criteria: Ambry Variant Classification Scheme 2023. Collection method: clinical testing. Allele origin: germline.
Comment: The p.P1941S variant (also known as c.5821C>T), located in coding exon 23 of the WNK2 gene, results from a C to T substitution at nucleotide position 5821. The proline at codon 1941 is replaced by serine, an amino acid with similar properties. This amino acid position is conserved. In addition, the in silico prediction for this alteration is inconclusive. Based on the available evidence, the clinical significance of this variant remains unclear.

NM_006648.4(WNK2):c.5821C>T (p.Pro1941Ser)

Gene: WNK2 (WNK lysine deficient protein kinase 2; plus strand). Cytogenetic location: 9q22.31.
Variant type: single nucleotide variant.
Coding change: c.5821C>T on transcript NM_006648.4 (MANE Select); coding-DNA position 5821, C replaced by T.
Protein change: p.Pro1941Ser; replaces proline 1941 with serine.
Molecular consequence: missense variant.
Genome position (GRCh38, 1-based): chr9:93,297,965, C>T. VCF-style: chr9-93297965-C-T. GRCh37 (hg19) VCF-style: chr9-96060247-C-T.
Other names: c.5932C>T, p.Pro1978Ser (NM_001282394.3); short protein forms P1941S, P1978S.
Identifiers: ClinVar variation 4201940 (VCV004201940.2).
Genomic context (GRCh38, chr9:93,297,965, plus strand): 5'-GCTCTGTACCGCCGCCTGGGCAAGCCACTGCCCCCCAACGTGGGCTTCTTCCACACGGCA[C>T]CCCCCACTGGCCGCCGGAGAAAAACCAGCAAGAGCAAGCTGAAGGCAGGCAAGCTGCTAA-3'
Protein context (NP_006639.3, residues 1931-1951): PPNVGFFHTA[Pro1941Ser]PTGRRRKTSK